The following is an entry in ClinVar:

ClinVar aggregate classification (germline): Uncertain significance (1 of 4 stars; one submission).

Allele frequency attached by ClinVar (database versions not stated): gnomAD exomes below 0.00001.
gnomAD v4.1: 1 of 1,598,894 alleles (0.000063%); highest among the groups gnomAD compares: African/African-American, 0.0013%; no homozygotes.

Submission:

GeneDx
Classification: Uncertain significance. Last evaluated: 2019-05-08. Review status: criteria provided, single submitter. Criteria: GeneDx Variant Classification Process June 2021. Collection method: clinical testing. Allele origin: germline. Affected: yes.
Comment: Not observed in large population cohorts (Lek et al., 2016); In silico analysis, which includes protein predictors and evolutionary conservation, supports a deleterious effect; Has not been previously published as pathogenic or benign to our knowledge

NM_001170629.2(CHD8):c.416C>A (p.Ser139Tyr)

Gene: CHD8 (chromodomain helicase DNA binding protein 8; minus strand). Cytogenetic location: 14q11.2.
Variant type: single nucleotide variant.
Coding change: c.416C>A on transcript NM_001170629.2 (MANE Select); coding-DNA position 416, C replaced by A.
Protein change: p.Ser139Tyr; replaces serine 139 with tyrosine.
Molecular consequence: missense variant. On other transcripts: intron variant (1).
Genome position (GRCh38, 1-based): chr14:21,431,228, G>T on the plus strand (C>A on the coding strand, the complement: CHD8 is on the minus strand). VCF-style: chr14-21431228-G-T. GRCh37 (hg19) VCF-style: chr14-21899387-G-T.
Other names: c.6+583C>A (NM_020920.4); short protein forms S139Y.
Identifiers: ClinVar variation 1302073 (VCV001302073.2), dbSNP rs1889549675, ClinGen allele CA388888762.
Genomic context (GRCh38, chr14:21,431,228, plus strand): 5'-ATCTTAGGGGCTGACTGAGGTGGCTGCCCTCCAGCACTACTGGAGGAGACAGCTGTGGCA[G>T]AGACACCCATGAAAGGATTCCCTTGGCTCAGGATCTCCTGGCTCTTGGAGACTTGCAAAA-3'
Protein context (NP_001164100.1, residues 129-149): LSQGNPFMGV[Ser139Tyr]ATAVSSSSAG